The following is an entry in ClinVar:

NM_004562.3(PRKN):c.155del (p.Asn52fs)

Gene: PRKN (parkin RBR E3 ubiquitin protein ligase; minus strand). Cytogenetic location: 6q26.
Variant type: Deletion.
Coding change: c.155del on transcript NM_004562.3 (MANE Select); coding-DNA position 155, one base deleted (A; older notation c.155delA).
Protein change: p.Asn52fs; shifts the reading frame from asparagine 52.
Molecular consequence: frameshift variant.
Genome position (GRCh38, 1-based): chr6:162,443,326, T deleted on the plus strand (A on the coding strand, the reverse complement: PRKN is on the minus strand); the first of 2 consecutive T bases (chr6:162,443,326-162,443,327); deleting either gives the same sequence. VCF-style (leftmost placement, unchanged base first): chr6-162443325-AT-A. GRCh37 (hg19) VCF-style: chr6-162864357-AT-A.
Other names: PRKN; c.155del (NM_004562.2); c.155delA (NM_004562.3); c.155del, p.Asn52fs (NM_013987.3, NM_013988.3); short protein forms N52fs.
Identifiers: ClinVar variation 536457 (VCV000536457.36), dbSNP rs754809877, ClinGen allele CA4090497.

ClinVar aggregate classification (germline): Pathogenic. Review status: criteria provided, multiple submitters, no conflicts (2 of 4 stars). 17 submissions from 17 submitters: Pathogenic (16). 1 of the submissions does not count toward it. Last evaluated 2026-07-06.

Conditions:
PRKN-related disorder. Also called: PRKN-related condition.
PARK2 & PRKN-related disorders.
Autosomal recessive juvenile Parkinson disease 2. Also called: Parkinson disease autosomal recessive, early onset; Juvenile parkinsonism; Parkinsonism, early onset, with diurnal fluctuation; PRKN-Related Early-Onset Parkinson Disease; PARKINSON DISEASE, JUVENILE, AUTOSOMAL RECESSIVE; Parkinson disease, juvenile, type 2. Identifiers: Orphanet 2828, MedGen C1868675, MONDO:0010820, OMIM 600116.
Lung cancer. Also called: Lung cancer, somatic; Malignant tumor of lung. Identifiers: MedGen C0242379, MONDO:0008903, OMIM 211980.
Ovarian cancer. Also called: OVARIAN CANCER, SOMATIC. Identifiers: Orphanet 213500, MedGen C1140680, MONDO:0008170, OMIM 167000.

Submissions (17):

PreventionGenetics, part of Exact Sciences
Classification: Pathogenic for PRKN-related condition. Last evaluated: 2026-07-06. Review status: criteria provided, single submitter. Criteria: ACMG Guidelines, 2015. Collection method: clinical testing. Allele origin: germline.
Comment: The PRKN c.155delA variant is predicted to result in a frameshift and premature protein termination (p.Asn52Metfs*29). This variant (aka p.N52Mfs*29, and p.Asn52fs) has been reported in patients with autosomal recessive, early onset parkinsonism (see for example, Abbas et al. 1999. PubMed ID: 10072423; Munoz et al. 2002. PubMed ID: 12397156; Gautier et al. 2016. PubMed ID: 27206984; Trinh et al. 2019. PubMed ID: 30537300; Sun et al. 2006. PubMed ID: 16769863). This variant is reported in 0.11% of alleles in individuals of Latino descent in gnomAD. Frameshift variants in PRKN are expected to be pathogenic. This variant is interpreted as pathogenic.

Dasa
Classification: Pathogenic. Last evaluated: 2026-04-09. Review status: criteria provided, single submitter. Criteria: DASA Assertion Criteria. Collection method: clinical testing. Allele origin: germline.
Comment: NM_004562.3(PRKN):c.155del (p.Asn52Metfs*29) introduces a premature termination codon predicted to result in loss of normal protein function. Loss-of-function is an established mechanism of disease for this gene. This variant has been recurrently observed in individuals with related phenotype (PMID: 10072423; PMID: 16769863; PMID: 18211709; PMID: 27206984; PMID: 30537300). The variant is present at low frequency in population datasets. Based on the available data, this variant is classified as pathogenic.

Labcorp Genetics (formerly Invitae), Labcorp
Classification: Pathogenic. Last evaluated: 2026-01-26. Review status: criteria provided, single submitter. Criteria: Invitae Variant Classification Sherloc (09022015). Collection method: clinical testing. Allele origin: germline.
Comment: This sequence change creates a premature translational stop signal (p.Asn52Metfs*29) in the PRKN gene. It is expected to result in an absent or disrupted protein product. Loss-of-function variants in PRKN are known to be pathogenic (PMID: 10072423, 20301651, 22956510). This variant is present in population databases (rs754809877, gnomAD 0.1%). This premature translational stop signal has been observed in individuals with Parkinson disease (PMID: 10072423, 16769863, 18211709, 27206984, 30537300). It has also been observed to segregate with disease in related individuals. This variant is also known as 255delA, c.154delA, N52fsX80, Asn52/Stop81, and N52/STOP80. ClinVar contains an entry for this variant (Variation ID: 536457). For these reasons, this variant has been classified as Pathogenic.

Institute of Human Genetics, University of Leipzig Medical Center
Classification: Pathogenic for Autosomal recessive juvenile Parkinson disease 2. Last evaluated: 2024-11-13. Review status: criteria provided, single submitter. Criteria: ACMG Guidelines, 2015. Collection method: clinical testing. Allele origin: unknown. Inheritance: Autosomal recessive inheritance. Affected: yes.
Comment: Criteria applied: PVS1,PM3_VSTR,PM2_SUP

Blueprint Genetics
Classification: Pathogenic for PARK2 & PRKN-related disorders. Last evaluated: 2024-10-03. Review status: criteria provided, single submitter. Criteria: ACMG Guidelines, 2015. Collection method: clinical testing. Allele origin: germline. Affected: yes. Observed: 5 variant alleles.

Genetics Department, Catlab
Classification: Pathogenic for Autosomal recessive juvenile Parkinson disease 2. Last evaluated: 2024-05-17. Review status: criteria provided, single submitter. Criteria: ACMG Guidelines, 2015. Collection method: clinical testing. Allele origin: biparental. Affected: yes. Observed: 1 variant allele.
Comment: The c.155del variant in the PRKN gene is a loss of function variant predicted to undergo nonsense mediated decay and loss of function variants have been described as a causing mechanism for the gene (PVS1). The variant has a low frequency in gnomAD 4.1 (AF= 0.0002785) (PM2) and has been previously reported in homozygous and heterozygous state in multiple independent Parkinson patients (PMID: 10072423, 16769863, 27206984, 30537300, 20558392) (PM3_Very strong). Finally, functional studies using patient derived material suggest a deleterious effect of the variant (PS3_Supporting). With all the available evidence, the variant is classified as pathogenic.

Fulgent Genetics
Classification: Pathogenic for Ovarian cancer; Lung cancer; Autosomal recessive juvenile Parkinson disease 2. Last evaluated: 2024-03-21. Review status: criteria provided, single submitter. Criteria: ACMG Guidelines, 2015. Collection method: clinical testing. Allele origin: germline.

Human Genetics Laboratory, State University of Rio de Janeiro
Classification: Pathogenic for Autosomal recessive juvenile Parkinson disease 2. Last evaluated: 2023-12-20. Review status: criteria provided, single submitter. Criteria: ACMG Guidelines, 2015. Collection method: research. Allele origin: unknown. Inheritance: Autosomal recessive inheritance. Affected: yes. Observed: 1 homozygote.

Department of Pathology and Laboratory Medicine, Sinai Health System
Classification: Pathogenic for Autosomal recessive juvenile Parkinson disease 2; Lung cancer; Ovarian cancer. Last evaluated: 2023-09-05. Review status: criteria provided, single submitter. Criteria: ACMG Guidelines, 2015. Collection method: research. Allele origin: germline.

AiLife Diagnostics
Classification: Pathogenic. Last evaluated: 2022-03-23. Review status: criteria provided, single submitter. Criteria: ACMG Guidelines, 2015. Collection method: clinical testing. Allele origin: germline. Affected: yes. Observed: 2 variant alleles.

Athena Diagnostics
Classification: Pathogenic. Last evaluated: 2021-11-19. Review status: criteria provided, single submitter. Criteria: Athena Diagnostics Criteria. Collection method: clinical testing. Allele origin: unknown.
Comment: This variant is expected to result in the loss of a functional protein. The frequency of this variant in the general population is consistent with pathogenicity. This variant has been identified in at least one individual with clinical features associated with this gene. In multiple individuals, this variant has been seen where an alternate explanation for disease was also identified, suggesting this variant is unlikely to cause disease.

CENTOGENE GmbH and LLC - Guiding Precision Medicine
Classification: Pathogenic for Autosomal recessive juvenile Parkinson disease 2. Last evaluated: 2021-07-27. Review status: criteria provided, single submitter. Criteria: ACMG Guidelines, 2015. Collection method: clinical testing. Allele origin: germline. Affected: yes.

Genetics and Molecular Pathology, SA Pathology
Classification: Pathogenic for Autosomal recessive juvenile Parkinson disease 2. Last evaluated: 2021-06-30. Review status: criteria provided, single submitter. Criteria: ACMG Guidelines, 2015. Collection method: clinical testing. Allele origin: germline. Affected: yes.

Baylor Genetics
Classification: Pathogenic for Autosomal recessive juvenile Parkinson disease 2. Last evaluated: 2018-11-05. Review status: criteria provided, single submitter. Criteria: ACMG Guidelines, 2015. Collection method: clinical testing. Allele origin: maternal. Affected: yes.
Comment: This variant was determined to be pathogenic according to ACMG Guidelines, 2015 [PMID:25741868].

Illumina Laboratory Services, Illumina
Classification: Pathogenic for Autosomal recessive juvenile Parkinson disease 2. Last evaluated: 2018-10-04. Review status: criteria provided, single submitter. Criteria: ICSL Variant Classification Criteria 09 May 2019. Collection method: clinical testing. Allele origin: germline.
Comment: The PARK2 c.155delA (p.Asn52MetfsTer29) variant results in a frameshift and is predicted to result in premature termination of the protein. The p.Asn52MetfsTer29 variant, which is also referred to in the literature as c.255delA, was reported in 24 individuals with juvenile Parkinson disease, including ten in a homozygous state, seven in a compound heterozygous state, and seven in a heterozygous state where zygosity is not noted (Abbas et al. 1999; Lucking et al. 2000; Hoenicka et al. 2002; Munoz et al. 2002; Marder et al. 2010; Guerrero Camacho et al. 2012). The p.Asn52MetfsTer29 variant was also found in a heterozygous state in seven unaffected relatives (Hoenicka et al. 2002). The p.Asn52MetfsTer29 variant was reported in two of 283 controls and is reported at a frequency of 0.001123 in the Latino population of the Exome Aggregation Consortium. Due to the presence of this variant in a large number of cases, and the potential functional impact of frameshift variants, the p.Asn52MetfsTer29 variant is classified as pathogenic for juvenile Parkinson disease. This variant was observed by ICSL as part of a predisposition screen in an ostensibly healthy population.

Clinical Genetics Service, Universitary Hospital 12 de Octubre
Classification: Pathogenic for Autosomal recessive juvenile Parkinson disease 2. Review status: criteria provided, single submitter. Criteria: ACMG Guidelines, 2015. Collection method: clinical testing. Allele origin: paternal. Affected: yes.

OMIM
Classification: Pathogenic for PARKINSON DISEASE 2, AUTOSOMAL RECESSIVE JUVENILE. Last evaluated: 2002-06-01. Review status: no assertion criteria provided. Collection method: literature only. Allele origin: germline. Not counted in ClinVar's aggregate classification.

Literature cited by the submitters: PubMed 10072423 (cited by 7 submitters); PubMed 16769863 (cited by 5 submitters); PubMed 18211709 (cited by 4 submitters); PubMed 27206984 (cited by 5 submitters); PubMed 30537300 (cited by 5 submitters); PubMed 20301651 (cited by Labcorp Genetics (formerly Invitae), Labcorp); PubMed 22956510 (cited by Labcorp Genetics (formerly Invitae), Labcorp); PubMed 20558392 (cited by 3 submitters); PubMed 12397156 (cited by 3 submitters); PubMed 31660654 (cited by AiLife Diagnostics); PubMed 17095157 (cited by AiLife Diagnostics and Athena Diagnostics); PubMed 26683220 (cited by AiLife Diagnostics and Athena Diagnostics); PubMed 31695088 (cited by AiLife Diagnostics); PubMed 22777964 (cited by Athena Diagnostics and Illumina Laboratory Services, Illumina); PubMed 12056932 (cited by 3 submitters); PubMed 10824074 (cited by Athena Diagnostics and Illumina Laboratory Services, Illumina); PubMed 27182553 (cited by Athena Diagnostics); PubMed 19636047 (cited by Athena Diagnostics).